The following is an entry in ClinVar:

NM_001365276.2(TNXB):c.4723C>T (p.Pro1575Ser)

Gene: TNXB (tenascin XB; minus strand). Cytogenetic location: 6p21.33.
Variant type: single nucleotide variant.
Coding change: c.4723C>T on transcript NM_001365276.2 (MANE Select); coding-DNA position 4723, C replaced by T.
Protein change: p.Pro1575Ser; replaces proline 1575 with serine.
Molecular consequence: missense variant.
Genome position (GRCh38, 1-based): chr6:32,072,257, G>A on the plus strand (C>T on the coding strand, the complement: TNXB is on the minus strand). VCF-style: chr6-32072257-G-A. GRCh37 (hg19) VCF-style: chr6-32040034-G-A.
Other names: c.5464C>T, p.Pro1822Ser (NM_001428335.1); c.4723C>T, p.Pro1575Ser (NM_019105.8); short protein forms P1575S, P1822S.
Identifiers: ClinVar variation 4188711 (VCV004188711.1).

ClinVar aggregate classification (germline): Uncertain significance (1 of 4 stars; one submission).

Conditions:
Cardiovascular phenotype. Identifiers: MedGen CN230736.

gnomAD v4.1: 1 of 1,607,026 alleles (0.000062%); no homozygotes.

Submission:

Ambry Genetics
Classification: Uncertain significance for Cardiovascular phenotype. Last evaluated: 2025-08-06. Review status: criteria provided, single submitter. Criteria: Ambry Variant Classification Scheme 2023. Collection method: clinical testing. Allele origin: germline.
Comment: The p.P1575S variant (also known as c.4723C>T), located in coding exon 12 of the TNXB gene, results from a C to T substitution at nucleotide position 4723. The proline at codon 1575 is replaced by serine, an amino acid with similar properties. This amino acid position is conserved. In addition, this alteration is predicted to be tolerated by in silico analysis. Based on the available evidence, the clinical significance of this variant remains unclear.